The following is an entry in ClinVar:

NM_004370.6(COL12A1):c.4713T>A (p.Asp1571Glu)

Gene: COL12A1 (collagen type XII alpha 1 chain; minus strand). Cytogenetic location: 6q13.
Variant type: single nucleotide variant.
Coding change: c.4713T>A on transcript NM_004370.6 (MANE Select); coding-DNA position 4713, T replaced by A.
Protein change: p.Asp1571Glu; replaces aspartic acid 1571 with glutamic acid.
Molecular consequence: missense variant.
Genome position (GRCh38, 1-based): chr6:75,143,366, A>T on the plus strand (T>A on the coding strand, the complement: COL12A1 is on the minus strand). VCF-style: chr6-75143366-A-T. GRCh37 (hg19) VCF-style: chr6-75853082-A-T.
Other names: c.1221T>A, p.Asp407Glu (NM_080645.3); short protein forms D1571E, D407E.
Identifiers: ClinVar variation 946537 (VCV000946537.13), dbSNP rs1246397590, ClinGen allele CA364742427.
Genomic context (GRCh38, chr6:75,143,366, plus strand): 5'-TCCAGGCACAGGTTCCCAAAAGACATTCATAGTGCTGTGAGTCACATCTCTGAGTTTCAG[A>T]TCCTGAGGTCTGGGTAAAGGCACTAGAGAAGCACGAGATATTAAATCCAGATGTGCTTCT-3'
Protein context (NP_004361.3, residues 1561-1581): EVTLPLPRPQ[Asp1571Glu]LKLRDVTHST

ClinVar aggregate classification (germline): Uncertain significance. Review status: criteria provided, multiple submitters, no conflicts (2 of 4 stars). 3 submissions from 3 submitters: Uncertain significance (3). Last evaluated 2025-12-16.

Conditions:
Ullrich congenital muscular dystrophy 2 (UCMD2). Identifiers: Orphanet 75840, MedGen C4225314, MONDO:0014654, OMIM 616470.
Bethlem myopathy 2 (BTHLM2). Identifiers: Orphanet 536516, Orphanet 610, MedGen C4225313, MONDO:0034022, OMIM 616471.
COL12A1-related disorder. Also called: COL12A1-related condition.

Allele frequency attached by ClinVar (database versions not stated): gnomAD exomes 0.00003 and below 0.00001; gnomAD 0.00001; TOPMed 0.00001.
gnomAD v4.1: 25 of 1,613,668 alleles (0.0015%); highest among the groups gnomAD compares: Non-Finnish European, 0.002%; no homozygotes.

Submissions (3):

Labcorp Genetics (formerly Invitae), Labcorp
Classification: Uncertain significance for Bethlem myopathy 2; Ullrich congenital muscular dystrophy 2. Last evaluated: 2025-12-16. Review status: criteria provided, single submitter. Criteria: Invitae Variant Classification Sherloc (09022015). Collection method: clinical testing. Allele origin: germline.
Comment: This sequence change replaces aspartic acid, which is acidic and polar, with glutamic acid, which is acidic and polar, at codon 1571 of the COL12A1 protein (p.Asp1571Glu). This variant is present in population databases (no rsID available, gnomAD 0.0009%). This variant has not been reported in the literature in individuals affected with COL12A1-related conditions. ClinVar contains an entry for this variant (Variation ID: 946537). Invitae Evidence Modeling of protein sequence and biophysical properties (such as structural, functional, and spatial information, amino acid conservation, physicochemical variation, residue mobility, and thermodynamic stability) indicates that this missense variant is not expected to disrupt COL12A1 protein function with a negative predictive value of 80%. In summary, the available evidence is currently insufficient to determine the role of this variant in disease. Therefore, it has been classified as a Variant of Uncertain Significance.

GeneDx
Classification: Uncertain significance. Last evaluated: 2023-11-30. Review status: criteria provided, single submitter. Criteria: GeneDx Variant Classification Process June 2021. Collection method: clinical testing. Allele origin: germline.
Comment: Has not been previously published as pathogenic or benign to our knowledge; Not observed at significant frequency in large population cohorts (gnomAD); In silico analysis supports that this missense variant does not alter protein structure/function

PreventionGenetics, part of Exact Sciences
Classification: Uncertain significance for COL12A1-related condition. Last evaluated: 2022-11-14. Review status: criteria provided, single submitter. Criteria: ACMG Guidelines, 2015. Collection method: clinical testing. Allele origin: germline.
Comment: The COL12A1 c.4713T>A variant is predicted to result in the amino acid substitution p.Asp1571Glu. To our knowledge, this variant has not been reported in the literature. This variant is reported in 0.00089% of alleles in individuals of European (Non-Finnish) descent in gnomAD. At this time, the clinical significance of this variant is uncertain due to the absence of conclusive functional and genetic evidence.